The following is an entry in ClinVar:

ClinVar aggregate classification (germline): Uncertain significance. Review status: criteria provided, single submitter (1 of 4 stars). 2 submissions from 2 submitters: Uncertain significance (1). 1 of the submissions does not count toward it. Last evaluated 2026-07-22.

Conditions:
Very long chain acyl-CoA dehydrogenase deficiency (ACADVLD). Also called: VLCAD Deficiency; Very Long-Chain Acyl-Coenzyme A Dehydrogenase Deficiency. Identifiers: Orphanet 26793, MedGen C3887523, MONDO:0008723, OMIM 201475.

Allele frequency attached by ClinVar (database versions not stated): ExAC 0.00003; gnomAD 0.00004 and 0.00003; gnomAD exomes 0.00001; TOPMed 0.00003.
gnomAD v4.1: 8 of 1,602,654 alleles (0.0005%); highest among the groups gnomAD compares: African/African-American, 0.0093%; no homozygotes.

Submissions (2):

Myriad Genetics, Inc.
Classification: Uncertain significance for Very long chain acyl-CoA dehydrogenase deficiency. Last evaluated: 2026-07-22. Review status: criteria provided, single submitter. Criteria: Myriad Autosomal Dominant, Autosomal Recessive and X-Linked Classification Criteria (2023). Collection method: clinical testing. Allele origin: unknown.
Comment: NM_000018.3(ACADVL):c.3G>A(M1?) is an initiation codon variant classified as a variant of uncertain significance in the context of very-long-chain acyl-CoA dehydrogenase deficiency. M1? has not been observed in cases with relevant disease. Relevant functional assessments of this variant are not available in the literature. M1? has been observed in referenced population frequency databases. In summary, there is insufficient evidence to classify NM_000018.3(ACADVL):c.3G>A(M1?) as pathogenic or benign. Please note: this variant was assessed in the context of healthy population screening.

Counsyl
Classification: Likely pathogenic for Very long chain acyl-CoA dehydrogenase deficiency. Last evaluated: 2017-12-11. Review status: no assertion criteria provided. Collection method: clinical testing. Allele origin: unknown. Not counted in ClinVar's aggregate classification.

NM_000018.4(ACADVL):c.3G>A (p.Met1Ile)

Genes: ACADVL (acyl-CoA dehydrogenase very long chain; plus strand), DLG4 (discs large MAGUK scaffold protein 4; minus strand). Cytogenetic location: 17p13.1.
Variant type: single nucleotide variant.
Coding change: c.3G>A on transcript NM_000018.4 (MANE Select); coding-DNA position 3, G replaced by A.
Protein change: p.Met1Ile; changes the start codon (methionine 1).
Molecular consequence: missense variant, initiator codon variant. On other transcripts: 5 prime UTR variant (2), non-coding transcript variant (1), intron variant (1).
Genome position (GRCh38, 1-based): chr17:7,219,987, G>A. VCF-style: chr17-7219987-G-A. GRCh37 (hg19) VCF-style: chr17-7123306-G-A.
Other names: c.-1138C>T (NM_001321074.1); c.3G>A, p.Met1Ile (NM_001033859.3); c.-301G>A (NM_001270448.2); c.132-135G>A (NM_001270447.2); short protein forms M1I.
Identifiers: ClinVar variation 555349 (VCV000555349.6), dbSNP rs768236474, ClinGen allele CA8337508.